The following is an entry in ClinVar:

ClinVar aggregate classification (germline): Uncertain significance (1 of 4 stars; one submission).

Allele frequency attached by ClinVar (database versions not stated): gnomAD exomes below 0.00001.
gnomAD v4.1: 3 of 1,613,446 alleles (0.00019%); highest among the groups gnomAD compares: African/African-American, 0.0027%; no homozygotes.

Submission:

Labcorp Genetics (formerly Invitae), Labcorp
Classification: Uncertain significance. Last evaluated: 2022-07-26. Review status: criteria provided, single submitter. Criteria: Invitae Variant Classification Sherloc (09022015). Collection method: clinical testing. Allele origin: germline.
Comment: In summary, the available evidence is currently insufficient to determine the role of this variant in disease. Therefore, it has been classified as a Variant of Uncertain Significance. Variants that disrupt the consensus splice site are a relatively common cause of aberrant splicing (PMID: 17576681, 9536098). Algorithms developed to predict the effect of sequence changes on RNA splicing suggest that this variant is not likely to affect RNA splicing. ClinVar contains an entry for this variant (Variation ID: 1390106). This variant has not been reported in the literature in individuals affected with PHYH-related conditions. This variant is not present in population databases (gnomAD no frequency). This sequence change falls in intron 6 of the PHYH gene. It does not directly change the encoded amino acid sequence of the PHYH protein. It affects a nucleotide within the consensus splice site.

Literature cited by the submitters: PubMed 17576681; PubMed 9536098.

NM_006214.4(PHYH):c.678+4G>C

Gene: PHYH (phytanoyl-CoA 2-hydroxylase; minus strand). Cytogenetic location: 10p13.
Variant type: single nucleotide variant.
Coding change: c.678+4G>C on transcript NM_006214.4 (MANE Select); 4 bases into the intron after coding-DNA position 678, G replaced by C.
Molecular consequence: intron variant.
Genome position (GRCh38, 1-based): chr10:13,288,356, C>G on the plus strand (G>C on the coding strand, the complement: PHYH is on the minus strand). VCF-style: chr10-13288356-C-G. GRCh37 (hg19) VCF-style: chr10-13330356-C-G.
Other names: c.415-4517G>C (NM_001323083.2); c.684+4G>C (NM_001323082.2); c.378+4G>C (NM_001037537.2, NM_001323080.2); c.384+4G>C (NM_001323084.2).
Identifiers: ClinVar variation 1390106 (VCV001390106.6), dbSNP rs981272115, ClinGen allele CA203279561.
Genomic context (GRCh38, chr10:13,288,356, plus strand): 5'-ACTGATGTGAAACAGAAACTGCGAAGGAGATTCGGATCAAGACTCAGCCGCCGGGCAGAC[C>G]TACCTCCCACTTGGGGTAATCGTGGGGCTTCAGGGAGCCCTTGTGTGTGCCTGGGAGCAC-3'